The following is an entry in ClinVar:

NM_016592.5(GNAS):c.411C>T (p.Pro137=)

Genes: GNAS (GNAS complex locus; plus strand), GNAS-AS1 (GNAS antisense RNA 1; minus strand). Cytogenetic location: 20q13.32.
Variant type: single nucleotide variant.
Coding change: c.411C>T on transcript NM_016592.5 (MANE Plus Clinical); coding-DNA position 411, C replaced by T.
Protein change: p.Pro137=; no amino-acid change (proline 137 retained).
Molecular consequence: synonymous variant. On other transcripts: 5 prime UTR variant (1).
Genome position (GRCh38, 1-based): chr20:58,840,517, C>T. VCF-style: chr20-58840517-C-T. GRCh37 (hg19) VCF-style: chr20-57415572-C-T.
Other names: c.-327C>T (NM_001410912.1).
Identifiers: ClinVar variation 4983843 (VCV004983843.1).

ClinVar aggregate classification (germline): Likely benign (1 of 4 stars; one submission).

Conditions:
GNAS-related disorder. Identifiers: MedGen CN380105.

gnomAD v4.1: 5 of 1,613,520 alleles (0.00031%); highest among the groups gnomAD compares: African/African-American, 0.0027%; no homozygotes.

Submission:

PreventionGenetics, part of Exact Sciences
Classification: Likely benign for GNAS-related condition. Last evaluated: 2026-02-23. Review status: criteria provided, single submitter. Criteria: ACMG Guidelines, 2015. Collection method: clinical testing. Allele origin: germline.
Comment: This variant is classified as likely benign based on ACMG/AMP sequence variant interpretation guidelines (Richards et al. 2015 PMID: 25741868, with internal and published modifications).